The following is an entry in ClinVar:

GRCh38/hg38 4p16.3-16.1(chr4:49556-6834935)x1

Genes: MAEA (macrophage erythroblast attacher, E3 ubiquitin ligase; plus strand), SPON2 (spondin 2; minus strand), STK32B (serine/threonine kinase 32B; plus strand), STK32B-DT (STK32B divergent transcript; minus strand), STX18-AS1 (STX18 antisense RNA 1 (head to head); plus strand) and 401 more. Cytogenetic location: 4p16.3-16.1.
Variant type: copy number loss.
Change: copy number 1 (one copy instead of two) of chr4:49,556-6,834,935 (6.79 Mb, GRCh38 coordinates, 1-based), cytogenetic band 4p16.3-16.1.
Identifiers: ClinVar variation 4974685 (VCV004974685.1).

ClinVar aggregate classification (germline): Pathogenic (1 of 4 stars; one submission).

Submission:

Clinical Genomics Laboratory, Laboratory for Precision Diagnostics, University of Washington
Classification: Pathogenic. Last evaluated: 2024-03-22. Review status: criteria provided, single submitter. Criteria: ACMG/ClinGen CNV Guidelines, 2019. Collection method: clinical testing. Allele origin: de novo. Affected: yes. Observed: 1 variant allele.
Comment: This terminal deletion of chromosome 4p is approximately 6.78 Mb in size and contains 78 protein-coding genes. It contains the entire critical region for Wolf-Hirschhorn syndrome (WHS).

Literature cited by the submitters: PubMed 34002939; PubMed 35428251; PubMed 17726485; PubMed 36849216; PubMed 18932124.